The following is an entry in ClinVar:

NM_024301.5(FKRP):c.880_884dup (p.Cys296fs)

Gene: FKRP (fukutin related protein; plus strand). Cytogenetic location: 19q13.32.
Variant type: Duplication.
Coding change: c.880_884dup on transcript NM_024301.5 (MANE Select); coding-DNA positions 880 to 884, 5 bases duplicated (ACGCG; older notation c.880_884dupACGCG).
Protein change: p.Cys296fs; shifts the reading frame from cysteine 296.
Molecular consequence: frameshift variant.
Genome position (GRCh38, 1-based): chr19:46,756,330-46,756,334, ACGCG duplicated. VCF-style (leftmost placement, unchanged base first): chr19-46756329-C-CACGCG. GRCh37 (hg19) VCF-style: chr19-47259586-C-CACGCG.
Other names: c.880_884dup, p.Cys296fs (NM_001039885.3); short protein forms C296fs.
Identifiers: ClinVar variation 4716104 (VCV004716104.1).

ClinVar aggregate classification (germline): Pathogenic (1 of 4 stars; one submission).

Conditions:
Walker-Warburg congenital muscular dystrophy. Also called: Muscular dystrophy-dystroglycanopathy, type A; Walker-Warburg syndrome. Identifiers: Orphanet 899, MedGen C0265221, MONDO:0000171.

Submission:

Labcorp Genetics (formerly Invitae), Labcorp
Classification: Pathogenic for Walker-Warburg congenital muscular dystrophy. Last evaluated: 2025-12-15. Review status: criteria provided, single submitter. Criteria: Invitae Variant Classification Sherloc (09022015). Collection method: clinical testing. Allele origin: germline.
Comment: This sequence change creates a premature translational stop signal (p.Cys296Argfs*134) in the FKRP gene. While this is not anticipated to result in nonsense mediated decay, it is expected to disrupt the last 200 amino acid(s) of the FKRP protein. This variant is not present in population databases (gnomAD no frequency). This variant has not been reported in the literature in individuals affected with FKRP-related conditions. This variant disrupts a region of the FKRP protein in which other variant(s) (p.Ser385*) have been determined to be pathogenic (PMID: 11592034, 12666124, 12707425, 14742276). This suggests that this is a clinically significant region of the protein, and that variants that disrupt it are likely to be disease-causing. For these reasons, this variant has been classified as Pathogenic.

Literature cited by the submitters: PubMed 11592034; PubMed 12666124; PubMed 12707425; PubMed 14742276.